The following is an entry in ClinVar:

ClinVar aggregate classification (germline): Pathogenic/Likely pathogenic. Review status: criteria provided, multiple submitters, no conflicts (2 of 4 stars). 2 submissions from 2 submitters: Pathogenic (1); Likely pathogenic (1). Last evaluated 2024-12-09.

Conditions:
Breast-ovarian cancer, familial, susceptibility to, 2 (BROVCA2). Also called: BRCA2 Hereditary Breast and Ovarian Cancer. Identifiers: Orphanet 145, MedGen C2675520, MONDO:0012933, OMIM 612555. Disease mechanism: loss of function.
Familial cancer of breast. Also called: hereditary breast carcinoma; BREAST CANCER, FAMILIAL; Hereditary breast cancer. Identifiers: Orphanet 227535, MedGen C0346153, MONDO:0016419, OMIM 114480. Disease mechanism: loss of function.

Submissions (2):

Institute of Medical Genetics and Applied Genomics, University Hospital Tübingen
Classification: Pathogenic for Familial cancer of breast. Last evaluated: 2024-12-09. Review status: criteria provided, single submitter. Criteria: ACMG Guidelines, 2015. Collection method: clinical testing. Allele origin: germline. Inheritance: Autosomal dominant inheritance. Affected: yes.

Laboratorio de Genetica e Diagnostico Molecular, Hospital Israelita Albert Einstein
Classification: Likely pathogenic for Breast-ovarian cancer, familial, susceptibility to, 2. Last evaluated: 2021-09-26. Review status: criteria provided, single submitter. Criteria: ACMG Guidelines, 2015. Collection method: clinical testing. Allele origin: germline. Affected: yes.
Comment: ACMG classification criteria: PVS1 very strong, PM2 moderate

NM_000059.4(BRCA2):c.5890A>T (p.Lys1964Ter)

Gene: BRCA2 (BRCA2 DNA repair associated; plus strand). Cytogenetic location: 13q13.1.
Variant type: single nucleotide variant.
Coding change: c.5890A>T on transcript NM_000059.4 (MANE Select); coding-DNA position 5890, A replaced by T.
Protein change: p.Lys1964Ter; replaces lysine 1964 with a stop codon.
Molecular consequence: nonsense.
Genome position (GRCh38, 1-based): chr13:32,340,245, A>T. VCF-style: chr13-32340245-A-T. GRCh37 (hg19) VCF-style: chr13-32914382-A-T.
Other names: short protein forms K1964*.
Identifiers: ClinVar variation 1683523 (VCV001683523.2), dbSNP rs1555284445, ClinGen allele CA387787477.